The following is an entry in ClinVar:

ClinVar aggregate classification (germline): Benign/Likely benign. Review status: criteria provided, multiple submitters, no conflicts (2 of 4 stars). 5 submissions from 5 submitters: Benign (1); Likely benign (3). 1 of the submissions does not count toward it. Last evaluated 2026-06-01.

Conditions:
OTOGL-related disorder. Also called: OTOGL-related condition.

Allele frequency attached by ClinVar (database versions not stated): ESP Exome Variant Server 0.00059; gnomAD exomes 0.00078 and 0.00090; gnomAD 0.00088 and 0.00091; ExAC 0.00126; TOPMed 0.00052.
gnomAD v4.1: 1,424 of 1,588,454 alleles (0.09%); highest among the groups gnomAD compares: Non-Finnish European, 0.1%; 2 homozygotes.

Submissions (5):

CeGaT Center for Human Genetics Tuebingen
Classification: Likely benign. Last evaluated: 2026-06-01. Review status: criteria provided, single submitter. Criteria: CeGaT Center For Human Genetics Tuebingen Variant Classification Criteria Version 2. Collection method: clinical testing. Allele origin: germline. Affected: yes. Observed: 2 variant alleles.
Comment: OTOGL: BP4

Labcorp Genetics (formerly Invitae), Labcorp
Classification: Benign. Last evaluated: 2025-07-22. Review status: criteria provided, single submitter. Criteria: Invitae Variant Classification Sherloc (09022015). Collection method: clinical testing. Allele origin: germline.

GeneDx
Classification: Likely benign. Last evaluated: 2021-01-13. Review status: criteria provided, single submitter. Criteria: GeneDx Variant Classification Process June 2021. Collection method: clinical testing. Allele origin: germline. Affected: yes.

Laboratory for Molecular Medicine, Mass General Brigham Personalized Medicine
Classification: Likely benign. Last evaluated: 2017-07-05. Review status: criteria provided, single submitter. Criteria: LMM Criteria. Collection method: clinical testing. Allele origin: germline. Observed: 5 variant alleles.
Comment: c.4253-5T>C in intron 35 of OTOGL: This variant is not expected to have clinical significance because a T>C change at this position does not diverge from the sp lice consensus sequence and is therefore unlikely to impact splicing. In additio n, it has been identified in 0.26% (66/24918) of Finnish chromosomes by the Geno me Aggregation Database (gnomAD; dbSNP rs20088 9330).

PreventionGenetics, part of Exact Sciences
Classification: Likely benign for OTOGL-related condition. Last evaluated: 2019-12-05. Review status: no assertion criteria provided. Collection method: clinical testing. Allele origin: germline. Not counted in ClinVar's aggregate classification.
Comment: This variant is classified as likely benign based on ACMG/AMP sequence variant interpretation guidelines (Richards et al. 2015 PMID: 25741868, with internal and published modifications).

NM_001378609.3(OTOGL):c.4280-5T>C

Gene: OTOGL (otogelin like; plus strand). Cytogenetic location: 12q21.31.
Variant type: single nucleotide variant.
Coding change: c.4280-5T>C on transcript NM_001378609.3 (MANE Select); 5 bases into the intron before coding-DNA position 4280, T replaced by C.
Molecular consequence: intron variant.
Genome position (GRCh38, 1-based): chr12:80,329,046, T>C. VCF-style: chr12-80329046-T-C. GRCh37 (hg19) VCF-style: chr12-80722826-T-C.
Other names: c.4145-5T>C (NM_001368062.3); c.4280-5T>C (NM_001378610.3, NM_173591.7).
Identifiers: ClinVar variation 504847 (VCV000504847.23), dbSNP rs200889330, ClinGen allele CA6701340.